The following is an entry in ClinVar:

NM_020549.5(CHAT):c.208del (p.Leu70fs)

Gene: CHAT (choline O-acetyltransferase; plus strand). Cytogenetic location: 10q11.23.
Variant type: Deletion.
Coding change: c.208del on transcript NM_020549.5 (MANE Select); coding-DNA position 208, one base deleted (C; older notation c.208delC).
Protein change: p.Leu70fs; shifts the reading frame from leucine 70.
Molecular consequence: frameshift variant. On other transcripts: 5 prime UTR variant (4), intron variant (2).
Genome position (GRCh38, 1-based): chr10:49,614,397, C deleted; the last of 4 consecutive C bases (chr10:49,614,394-49,614,397); deleting any one gives the same sequence. VCF-style (leftmost placement, unchanged base first): chr10-49614393-AC-A. GRCh37 (hg19) VCF-style: chr10-50822439-AC-A.
Other names: c.-147del (NM_001142929.2, NM_020985.4); c.-109del (NM_001142933.2); c.-217del (NM_001142934.2); c.-68-2105del (NM_020984.4); c.-69+1195del (NM_020986.4); short protein forms L70fs.
Identifiers: ClinVar variation 954911 (VCV000954911.7), dbSNP rs1838400244, ClinGen allele CA1139661437.

ClinVar aggregate classification (germline): Uncertain significance (1 of 4 stars; one submission).

Conditions:
Familial infantile myasthenia (CMS6). Also called: MYASTHENIC SYNDROME, PRESYNAPTIC, CONGENITAL, ASSOCIATED WITH EPISODIC APNEA; MYASTHENIC SYNDROME, CONGENITAL, 6, PRESYNAPTIC; Congenital myasthenic syndrome type 6. Identifiers: Orphanet 590, MedGen C0393929, MONDO:0009689, OMIM 254210.

Submission:

Labcorp Genetics (formerly Invitae), Labcorp
Classification: Uncertain significance for Familial infantile myasthenia. Last evaluated: 2021-07-14. Review status: criteria provided, single submitter. Criteria: Invitae Variant Classification Sherloc (09022015). Collection method: clinical testing. Allele origin: germline.
Comment: This sequence change creates a premature translational stop signal (p.Leu70Phefs*130) in the CHAT gene. However, it is currently unclear if variants that occur in this region of the gene cause disease. The frequency data for this variant in the population databases is considered unreliable, as metrics indicate insufficient coverage at this position in the ExAC database. This variant has not been reported in the literature in individuals affected with CHAT-related conditions. In summary, the available evidence is currently insufficient to determine the role of this variant in disease. Therefore, it has been classified as a Variant of Uncertain Significance.